The following is an entry in ClinVar:

NM_001276345.2(TNNT2):c.222del (p.Lys74fs)

Gene: TNNT2 (troponin T2, cardiac type; minus strand). Cytogenetic location: 1q32.1.
Variant type: Deletion.
Coding change: c.222del on transcript NM_001276345.2 (MANE Select); coding-DNA position 222, one base deleted (A; older notation c.222delA).
Protein change: p.Lys74fs; shifts the reading frame from lysine 74.
Molecular consequence: frameshift variant.
Genome position (GRCh38, 1-based): chr1:201,366,849, T deleted on the plus strand (A on the coding strand, the reverse complement: TNNT2 is on the minus strand); the first of 3 consecutive T bases (chr1:201,366,849-201,366,851); deleting any one gives the same sequence. VCF-style (leftmost placement, unchanged base first): chr1-201366848-GT-G. GRCh37 (hg19) VCF-style: chr1-201335976-GT-G.
Other names: c.222del, p.Lys74fs (NM_000364.4, NM_001406723.1); c.192del, p.Lys64fs (NM_001001430.3, NM_001001431.3, NM_001276347.2 and 3 more transcripts); c.177del, p.Lys59fs (NM_001001432.3, NM_001406728.1); c.219del, p.Lys73fs (NM_001276346.2); c.189del, p.Lys63fs (NM_001406725.1); short protein forms K59fs, K63fs, K64fs, K73fs, K74fs.
Identifiers: ClinVar variation 3386120 (VCV003386120.1).

ClinVar aggregate classification (germline): Uncertain significance (1 of 4 stars; one submission).

Conditions:
Cardiomyopathy (CMYO). Also called: Cardiomyopathies. Identifiers: Orphanet 167848, MedGen C0878544, MONDO:0004994, HP:0001638. Inheritance: Various modes of inheritance.

Submission:

All of Us Research Program, National Institutes of Health
Classification: Uncertain significance for Cardiomyopathy. Last evaluated: 2024-09-16. Review status: criteria provided, single submitter. Criteria: ACMG Guidelines, 2015. Collection method: clinical testing. Allele origin: germline. Inheritance: Autosomal dominant inheritance. Observed: 1 variant allele, 1 heterozygote.
Comment: This variant deletes 1 nucleotide in exon 7/16 of the TNNT2 gene, creating a frameshift and premature translation stop signal. This variant is expected to result in an absent or non-functional protein product. To our knowledge, this variant has not been reported in individuals affected with TNNT2-related disorders in the literature. This variant has not been identified in the general population by the Genome Aggregation Database (gnomAD). The role of TNNT2 loss-of-function truncation variants in autosomal dominant cardiomyopathy is not well understood. The available evidence is insufficient to determine the role of this variant in disease conclusively. Therefore, this variant is classified as a Variant of Uncertain Significance.

This study involves interpretation of variants in research participants for the purpose of population health screening. Participant phenotype was not available at the time of variant classification. Additional details can be found in publication PMID: 35346344, PMCID: PMC8962531